The following is an entry in ClinVar:

ClinVar aggregate classification (germline): Likely pathogenic. Review status: criteria provided, single submitter (1 of 4 stars). 2 submissions from 2 submitters: Likely pathogenic (1). 1 of the submissions does not count toward it. Last evaluated 2022-04-20.

Conditions:
Joubert syndrome 40. Identifiers: MedGen C5562007, MONDO:0030462, OMIM 619582.

Allele frequency attached by ClinVar (database versions not stated): ExAC 0.00002; gnomAD 0.00001.

Submissions (2):

SIB Swiss Institute of Bioinformatics
Classification: Likely pathogenic for Joubert syndrome 40. Last evaluated: 2022-04-20. Review status: criteria provided, single submitter. Criteria: ACMG Guidelines, 2015. Collection method: curation. Allele origin: unknown.
Comment: This variant is interpreted as likely pathogenic for Joubert syndrome 40, autosomal recessive. The following ACMG Tag(s) were applied: Absent from controls (or at extremely low frequency if recessive) in Exome Sequencing Project, 1000 Genomes Project, or Exome Aggregation Consortium (PM2); For recessive disorders, detected in trans with a pathogenic variant (PM3); Predicted nullvariant in a gene where LOF is a known mechanism of disease (PVS1 downgraded to strong).

OMIM
Classification: Pathogenic for JOUBERT SYNDROME 40. Last evaluated: 2021-10-21. Review status: no assertion criteria provided. Collection method: literature only. Allele origin: germline. Not counted in ClinVar's aggregate classification.

Literature cited by the submitters: PubMed 33531668 (cited by SIB Swiss Institute of Bioinformatics and OMIM).

NM_025103.4(IFT74):c.85C>T (p.Arg29Ter)

Gene: IFT74 (intraflagellar transport 74; plus strand). Cytogenetic location: 9p21.2.
Variant type: single nucleotide variant.
Coding change: c.85C>T on transcript NM_025103.4 (MANE Select); coding-DNA position 85, C replaced by T.
Protein change: p.Arg29Ter; replaces arginine 29 with a stop codon.
Molecular consequence: nonsense.
Genome position (GRCh38, 1-based): chr9:26,962,052, C>T. VCF-style: chr9-26962052-C-T. GRCh37 (hg19) VCF-style: chr9-26962050-C-T.
Other names: R29*; c.85C>T, p.Arg29Ter (NM_001099222.3, NM_001099223.3, NM_001099224.3 and 1 more transcripts).
Identifiers: ClinVar variation 1300252 (VCV001300252.2), dbSNP rs751583919, ClinGen allele CA5014798.